The following is an entry in ClinVar:

ClinVar aggregate classification (germline): Conflicting classifications of pathogenicity. Review status: criteria provided, conflicting classifications (1 of 4 stars). 4 submissions from 4 submitters: Uncertain significance (1); Likely benign (2). 1 of the submissions does not count toward it. Last evaluated 2026-01-06.

Conditions:
SETX-related disorder. Also called: SETX-related disorders; SETX-related condition. Identifiers: MedGen CN239403.
Inborn genetic diseases. Identifiers: MedGen C0950123, MeSH D030342.
Amyotrophic lateral sclerosis type 4 (ALS4). Also called: NEURONOPATHY, DISTAL HEREDITARY MOTOR, WITH PYRAMIDAL FEATURES; AMYOTROPHIC LATERAL SCLEROSIS 4, JUVENILE. Identifiers: Orphanet 357043, MedGen C1865409, MONDO:0011223, OMIM 602433.
Spinocerebellar ataxia, autosomal recessive, with axonal neuropathy 2 (SCAN2). Also called: Ataxia with Oculomotor Apraxia; Ataxia with Oculomotor Apraxia Type 2; ATAXIA-OCULOMOTOR APRAXIA 2; Ataxia-ocular apraxia-2. Identifiers: Orphanet 64753, MedGen C1853761, MONDO:0018996, OMIM 606002.

Allele frequency attached by ClinVar (database versions not stated): gnomAD 0.00003; TOPMed 0.00003; ExAC 0.00013.
gnomAD v4.1: 53 of 1,578,776 alleles (0.0034%); highest among the groups gnomAD compares: Admixed American, 0.083%; no homozygotes.

Submissions (4):

Labcorp Genetics (formerly Invitae), Labcorp
Classification: Likely benign for Amyotrophic lateral sclerosis type 4; Spinocerebellar ataxia, autosomal recessive, with axonal neuropathy 2. Last evaluated: 2026-01-06. Review status: criteria provided, single submitter. Criteria: Invitae Variant Classification Sherloc (09022015). Collection method: clinical testing. Allele origin: germline.

Ambry Genetics
Classification: Uncertain significance for Inborn genetic diseases. Last evaluated: 2020-01-30. Review status: criteria provided, single submitter. Criteria: Ambry Variant Classification Scheme 2023. Collection method: clinical testing. Allele origin: germline.
Comment: The p.D448G variant (also known as c.1343A>G), located in coding exon 8 of the SETX gene, results from an A to G substitution at nucleotide position 1343. The aspartic acid at codon 448 is replaced by glycine, an amino acid with similar properties. This amino acid position is not well conserved in available vertebrate species. In addition, this alteration is predicted to be tolerated by in silico analysis. Since supporting evidence is limited at this time, the clinical significance of this alteration remains unclear.

Athena Diagnostics
Classification: Likely benign. Last evaluated: 2019-04-10. Review status: criteria provided, single submitter. Criteria: Athena Diagnostics Criteria. Collection method: clinical testing. Allele origin: germline.

PreventionGenetics, part of Exact Sciences
Classification: Likely benign for SETX-related condition. Last evaluated: 2024-03-26. Review status: no assertion criteria provided. Collection method: clinical testing. Allele origin: germline. Not counted in ClinVar's aggregate classification.
Comment: This variant is classified as likely benign based on ACMG/AMP sequence variant interpretation guidelines (Richards et al. 2015 PMID: 25741868, with internal and published modifications).

Literature cited by the submitters: PubMed 29411640 (cited by Athena Diagnostics).

NM_015046.7(SETX):c.1343A>G (p.Asp448Gly)

Gene: SETX (senataxin; minus strand). Cytogenetic location: 9q34.13.
Variant type: single nucleotide variant.
Coding change: c.1343A>G on transcript NM_015046.7 (MANE Select); coding-DNA position 1343, A replaced by G.
Protein change: p.Asp448Gly; replaces aspartic acid 448 with glycine.
Molecular consequence: missense variant.
Genome position (GRCh38, 1-based): chr9:132,330,255, T>C on the plus strand (A>G on the coding strand, the complement: SETX is on the minus strand). VCF-style: chr9-132330255-T-C. GRCh37 (hg19) VCF-style: chr9-135205642-T-C.
Other names: c.1343A>G, p.Asp448Gly (NM_001351527.2, NM_001351528.2); short protein forms D448G.
Identifiers: ClinVar variation 573505 (VCV000573505.16), dbSNP rs370363342, ClinGen allele CA5297795.